The following is an entry in ClinVar:

ClinVar aggregate classification (germline): Uncertain significance. Review status: criteria provided, multiple submitters, no conflicts (2 of 4 stars). 4 submissions from 4 submitters: Uncertain significance (3). 1 of the submissions does not count toward it. Last evaluated 2025-12-06.

Conditions:
Retinal dystrophy. Also called: Inherited retinal dystrophy. Identifiers: Orphanet 71862, MedGen C0854723, MeSH D058499, MONDO:0019118, HP:0000556.
Inborn genetic diseases. Identifiers: MedGen C0950123, MeSH D030342.
Autosomal recessive limb-girdle muscular dystrophy type 2O. Also called: MUSCULAR DYSTROPHY-DYSTROGLYCANOPATHY (LIMB-GIRDLE), TYPE C, 3; MUSCULAR DYSTROPHY-DYSTROGLYCANOPATHY, LIMB-GIRDLE, POMGNT1-RELATED; Limb-Girdle Muscular Dystrophy Type 3C. Identifiers: Orphanet 206564, MedGen C3150417, MONDO:0013161, OMIM 613157.
Muscular dystrophy-dystroglycanopathy (congenital with impaired intellectual development), type B, 3. Also called: MUSCULAR DYSTROPHY, CONGENITAL, POMGNT1-RELATED; Muscular dystrophy-dystroglycanopathy (congenital with intellectual disability), type B3. Identifiers: MedGen C3150412, MONDO:0013155, OMIM 613151.

Allele frequency attached by ClinVar (database versions not stated): TOPMed below 0.00001; gnomAD exomes 0.00002 and 0.00001; ExAC 0.00003.
gnomAD v4.1: 13 of 1,614,180 alleles (0.00081%); highest among the groups gnomAD compares: Admixed American, 0.0033%; no homozygotes.

Submissions (4):

Labcorp Genetics (formerly Invitae), Labcorp
Classification: Uncertain significance for Autosomal recessive limb-girdle muscular dystrophy type 2O; Muscular dystrophy-dystroglycanopathy (congenital with impaired intellectual development), type B, 3. Last evaluated: 2025-12-06. Review status: criteria provided, single submitter. Criteria: Invitae Variant Classification Sherloc (09022015). Collection method: clinical testing. Allele origin: germline.
Comment: This sequence change replaces arginine, which is basic and polar, with glutamine, which is neutral and polar, at codon 215 of the POMGNT1 protein (p.Arg215Gln). This variant is present in population databases (rs770634205, gnomAD 0.006%). This variant has not been reported in the literature in individuals affected with POMGNT1-related conditions. ClinVar contains an entry for this variant (Variation ID: 1329692). Invitae Evidence Modeling of protein sequence and biophysical properties (such as structural, functional, and spatial information, amino acid conservation, physicochemical variation, residue mobility, and thermodynamic stability) indicates that this missense variant is not expected to disrupt POMGNT1 protein function with a negative predictive value of 95%. In summary, the available evidence is currently insufficient to determine the role of this variant in disease. Therefore, it has been classified as a Variant of Uncertain Significance.

Ambry Genetics
Classification: Uncertain significance for Inborn genetic diseases. Last evaluated: 2025-06-07. Review status: criteria provided, single submitter. Criteria: Ambry Variant Classification Scheme 2023. Collection method: clinical testing. Allele origin: germline.

GeneDx
Classification: Uncertain significance. Last evaluated: 2021-06-21. Review status: criteria provided, single submitter. Criteria: GeneDx Variant Classification Process June 2021. Collection method: clinical testing. Allele origin: germline. Affected: yes.
Comment: This variant is associated with the following publications: (PMID: 24282183, 21361872)

Institute of Human Genetics, Univ. Regensburg, Univ. Regensburg
Classification: Uncertain significance for Retinal dystrophy. Last evaluated: 2022-01-01. Review status: no assertion criteria provided. Criteria: ACMG Guidelines, 2015. Collection method: clinical testing. Allele origin: germline. Affected: yes. Not counted in ClinVar's aggregate classification.

NM_017739.4(POMGNT1):c.644G>A (p.Arg215Gln)

Genes: POMGNT1 (protein O-linked mannose N-acetylglucosaminyltransferase 1 (beta 1,2-); minus strand), TSPAN1 (tetraspanin 1; plus strand). Cytogenetic location: 1p34.1.
Variant type: single nucleotide variant.
Coding change: c.644G>A on transcript NM_017739.4 (MANE Select); coding-DNA position 644, G replaced by A.
Protein change: p.Arg215Gln; replaces arginine 215 with glutamine.
Molecular consequence: missense variant.
Genome position (GRCh38, 1-based): chr1:46,194,852, C>T on the plus strand (G>A on the coding strand, the complement: POMGNT1 is on the minus strand). VCF-style: chr1-46194852-C-T. GRCh37 (hg19) VCF-style: chr1-46660524-C-T.
Other names: c.644G>A, p.Arg215Gln (NM_001243766.2, NM_001410783.1); c.578G>A, p.Arg193Gln (NM_001290129.3); c.215G>A, p.Arg72Gln (NM_001290130.2); short protein forms R193Q, R215Q, R72Q.
Identifiers: ClinVar variation 1329692 (VCV001329692.7), dbSNP rs770634205, ClinGen allele CA833668.